The following is an entry in ClinVar:

ClinVar aggregate classification (germline): Uncertain significance. Review status: criteria provided, multiple submitters, no conflicts (2 of 4 stars). 2 submissions from 2 submitters: Uncertain significance (2). Last evaluated 2025-12-16.

Conditions:
Inborn genetic diseases. Identifiers: MedGen C0950123, MeSH D030342.
COG1 congenital disorder of glycosylation (CDG2G). Also called: CONGENITAL DISORDER OF GLYCOSYLATION, TYPE IIg; CDG IIg; CDGII/COG1 CEREBROCOSTOMANDIBULAR-LIKE SYNDROME. Identifiers: Orphanet 263508, MedGen C2931011, MONDO:0012637, OMIM 611209.

Allele frequency attached by ClinVar (database versions not stated): ExAC 0.00001; gnomAD 0.00001; gnomAD exomes 0.00001 and 0.00002; TOPMed 0.00002.
gnomAD v4.1: 20 of 1,614,010 alleles (0.0012%); highest among the groups gnomAD compares: Non-Finnish European, 0.0016%; no homozygotes.

Submissions (2):

Ambry Genetics
Classification: Uncertain significance for Inborn genetic diseases. Last evaluated: 2025-12-16. Review status: criteria provided, single submitter. Criteria: Ambry Variant Classification Scheme 2023. Collection method: clinical testing. Allele origin: germline.

Labcorp Genetics (formerly Invitae), Labcorp
Classification: Uncertain significance for COG1 congenital disorder of glycosylation. Last evaluated: 2022-08-10. Review status: criteria provided, single submitter. Criteria: Invitae Variant Classification Sherloc (09022015). Collection method: clinical testing. Allele origin: germline.
Comment: In summary, the available evidence is currently insufficient to determine the role of this variant in disease. Therefore, it has been classified as a Variant of Uncertain Significance. Algorithms developed to predict the effect of missense changes on protein structure and function (SIFT, PolyPhen-2, Align-GVGD) all suggest that this variant is likely to be disruptive. ClinVar contains an entry for this variant (Variation ID: 1411603). This variant has not been reported in the literature in individuals affected with COG1-related conditions. This variant is present in population databases (rs770355508, gnomAD 0.004%). This sequence change replaces alanine, which is neutral and non-polar, with threonine, which is neutral and polar, at codon 385 of the COG1 protein (p.Ala385Thr).

NM_018714.3(COG1):c.1153G>A (p.Ala385Thr)

Genes: COG1 (component of oligomeric golgi complex 1; plus strand), LOC126862634 (CDK7 strongly-dependent group 2 enhancer GRCh37_chr17:71195948-71197147; plus strand). Cytogenetic location: 17q25.1.
Variant type: single nucleotide variant.
Coding change: c.1153G>A on transcript NM_018714.3 (MANE Select); coding-DNA position 1153, G replaced by A.
Protein change: p.Ala385Thr; replaces alanine 385 with threonine.
Molecular consequence: missense variant.
Genome position (GRCh38, 1-based): chr17:73,200,648, G>A. VCF-style: chr17-73200648-G-A. GRCh37 (hg19) VCF-style: chr17-71196787-G-A.
Other names: c.1153G>A (NM_018714.2); short protein forms A385T.
Identifiers: ClinVar variation 1411603 (VCV001411603.6), dbSNP rs770355508, ClinGen allele CA8740165.
Genomic context (GRCh38, chr17:73,200,648, plus strand): 5'-GGGATCACCAACCTGCTCATGTACGTGAAGAGCATGAAGGGTCTCGCGGGAATCCGGGAC[G>A]CCATGTGGGAGTTACTTACCAATGAGTCCACCAATCACAGCTGGGATGTGCTATGTCGGC-3'
Protein context (NP_061184.1, residues 375-395): SMKGLAGIRD[Ala385Thr]MWELLTNEST